The following is an entry in ClinVar:

ClinVar aggregate classification (germline): Benign/Likely benign. Review status: criteria provided, multiple submitters, no conflicts (2 of 4 stars). 3 submissions from 3 submitters: Benign (1); Likely benign (2). Last evaluated 2025-04-20.

Allele frequency attached by ClinVar (database versions not stated): gnomAD exomes 0.00019; gnomAD 0.00021; TOPMed 0.00029; ESP Exome Variant Server 0.00049; ExAC 0.00050.
gnomAD v4.1: 340 of 1,606,708 alleles (0.021%); highest among the groups gnomAD compares: Non-Finnish European, 0.0047%; 2 homozygotes.

Submissions (3):

Labcorp Genetics (formerly Invitae), Labcorp
Classification: Benign. Last evaluated: 2025-04-20. Review status: criteria provided, single submitter. Criteria: Invitae Variant Classification Sherloc (09022015). Collection method: clinical testing. Allele origin: germline.

Blueprint Genetics
Classification: Likely benign. Last evaluated: 2024-01-17. Review status: criteria provided, single submitter. Criteria: ACMG Guidelines, 2015. Collection method: clinical testing. Allele origin: germline.

CeGaT Center for Human Genetics Tuebingen
Classification: Likely benign. Last evaluated: 2022-03-01. Review status: criteria provided, single submitter. Criteria: CeGaT Center For Human Genetics Tuebingen Variant Classification Criteria Version 2. Collection method: clinical testing. Allele origin: germline. Affected: yes. Observed: 1 variant allele.
Comment: DOCK6: BP4, BP7

NM_020812.4(DOCK6):c.945C>T (p.His315=)

Gene: DOCK6 (dedicator of cytokinesis 6; minus strand). Cytogenetic location: 19p13.2.
Variant type: single nucleotide variant.
Coding change: c.945C>T on transcript NM_020812.4 (MANE Select); coding-DNA position 945, C replaced by T.
Protein change: p.His315=; no amino-acid change (histidine 315 retained).
Molecular consequence: synonymous variant.
Genome position (GRCh38, 1-based): chr19:11,245,641, G>A on the plus strand (C>T on the coding strand, the complement: DOCK6 is on the minus strand). VCF-style: chr19-11245641-G-A. GRCh37 (hg19) VCF-style: chr19-11356317-G-A.
Other names: c.945C>T, p.His315= (NM_001367830.1).
Identifiers: ClinVar variation 2173835 (VCV002173835.29), dbSNP rs376268719, ClinGen allele CA9208288.